The following is an entry in ClinVar:

NM_173598.6(KSR2):c.863C>T (p.Pro288Leu)

Gene: KSR2 (kinase suppressor of ras 2; minus strand). Cytogenetic location: 12q24.23.
Variant type: single nucleotide variant.
Coding change: c.863C>T on transcript NM_173598.6 (MANE Select); coding-DNA position 863, C replaced by T.
Protein change: p.Pro288Leu; replaces proline 288 with leucine.
Molecular consequence: missense variant.
Genome position (GRCh38, 1-based): chr12:117,761,134, G>A on the plus strand (C>T on the coding strand, the complement: KSR2 is on the minus strand). VCF-style: chr12-117761134-G-A. GRCh37 (hg19) VCF-style: chr12-118198939-G-A.
Other names: short protein forms P288L.
Identifiers: ClinVar variation 2635761 (VCV002635761.1), dbSNP rs36028047, ClinGen allele CA245078213.

ClinVar aggregate classification (germline): Uncertain significance (1 of 4 stars; one submission).

Conditions:
KSR2-related disorder. Also called: KSR2-related condition.

Allele frequency attached by ClinVar (database versions not stated): gnomAD exomes below 0.00001; TOPMed 0.00002.
gnomAD v4.1: 3 of 1,611,858 alleles (0.00019%); highest among the groups gnomAD compares: Admixed American, 0.0017%; no homozygotes.

Submission:

PreventionGenetics, part of Exact Sciences
Classification: Uncertain significance for KSR2-related condition. Last evaluated: 2023-06-28. Review status: criteria provided, single submitter. Criteria: ACMG Guidelines, 2015. Collection method: clinical testing. Allele origin: germline.
Comment: The KSR2 c.776C>T variant is predicted to result in the amino acid substitution p.Pro259Leu. To our knowledge, this variant has not been reported in the literature. This variant is reported in 0.0029% of alleles in individuals of Latino descent in gnomAD. At this time, the clinical significance of this variant is uncertain due to the absence of conclusive functional and genetic evidence.